The following is an entry in ClinVar:

NM_003924.4(PHOX2B):c.762A>C (p.Ala254=)

Genes: PHOX2B (paired like homeobox 2B; minus strand), LOC110011216 (paired like homeobox 2b polyalanine repeat instability region; plus strand). Cytogenetic location: 4p13.
Variant type: single nucleotide variant.
Coding change: c.762A>C on transcript NM_003924.4 (MANE Select); coding-DNA position 762, A replaced by C.
Protein change: p.Ala254=; no amino-acid change (alanine 254 retained).
Molecular consequence: synonymous variant.
Genome position (GRCh38, 1-based): chr4:41,745,990, T>G on the plus strand (A>C on the coding strand, the complement: PHOX2B is on the minus strand). VCF-style: chr4-41745990-T-G. GRCh37 (hg19) VCF-style: chr4-41748007-T-G.
Other names: p.Ala254=.
Identifiers: ClinVar variation 164944 (VCV000164944.41), dbSNP rs17884724, ClinGen allele CA177628.

ClinVar aggregate classification (germline): Benign/Likely benign. Review status: criteria provided, multiple submitters, no conflicts (2 of 4 stars). 14 submissions from 13 submitters: Benign (13); Likely benign (1). Last evaluated 2026-01-30.

Conditions:
Hereditary cancer-predisposing syndrome. Also called: Neoplastic Syndromes, Hereditary; Hereditary Cancer Syndrome; Tumor predisposition; Hereditary neoplastic syndrome. Identifiers: Orphanet 140162, MedGen C0027672, MeSH D009386, MONDO:0015356.
Haddad syndrome (OHD). Also called: Ondine-Hirschsprung disease. Identifiers: Orphanet 99803, MedGen C1859049, MONDO:0020493.
Congenital central hypoventilation. Also called: Congenital Central Hypoventilation Syndrome. Identifiers: Orphanet 661, Orphanet 99803, MedGen C1275808, MONDO:0800031. Disease mechanism: gain of function.
Neuroblastoma, susceptibility to, 2. Identifiers: Orphanet 635, MedGen C2751682, MONDO:0700041, OMIM 613013.

Allele frequency attached by ClinVar (database versions not stated): ExAC 0.00329; gnomAD 0.03446 and 0.03467; 1000 Genomes Project 0.05451; TOPMed 0.03796.

Submissions (14):

Labcorp Genetics (formerly Invitae), Labcorp
Classification: Benign for Haddad syndrome. Last evaluated: 2026-01-30. Review status: criteria provided, single submitter. Criteria: Invitae Variant Classification Sherloc (09022015). Collection method: clinical testing. Allele origin: germline.

Ambry Genetics
Classification: Likely benign for Hereditary cancer-predisposing syndrome. Last evaluated: 2024-12-10. Review status: criteria provided, single submitter. Criteria: Ambry Variant Classification Scheme 2023. Collection method: clinical testing. Allele origin: germline.

Blueprint Genetics
Classification: Benign. Last evaluated: 2024-11-26. Review status: criteria provided, single submitter. Criteria: ACMG Guidelines, 2015. Collection method: clinical testing. Allele origin: germline.

ARUP Laboratories, Molecular Genetics and Genomics, ARUP Laboratories
Classification: Benign. Last evaluated: 2023-11-11. Review status: criteria provided, single submitter. Criteria: ARUP Molecular Germline Variant Investigation Process 2024. Collection method: clinical testing. Allele origin: germline.

Mayo Clinic Laboratories, Mayo Clinic
Classification: Benign. Last evaluated: 2022-03-18. Review status: criteria provided, single submitter. Criteria: ACMG Guidelines, 2015. Collection method: clinical testing. Allele origin: germline. Observed: 11 variant alleles.

Sema4
Classification: Benign for Hereditary cancer-predisposing syndrome. Last evaluated: 2020-03-23. Review status: criteria provided, single submitter. Criteria: Sema4 Curation Guidelines. Collection method: curation. Allele origin: germline.

Illumina Laboratory Services, Illumina
Classification: Benign for Central hypoventilation syndrome, congenital, 1, with or without Hirschsprung disease. Last evaluated: 2018-03-06. Review status: criteria provided, single submitter. Criteria: ICSL Variant Classification Criteria 13 December 2019. Collection method: clinical testing. Allele origin: germline.
Comment: This variant was observed in the ICSL laboratory as part of a predisposition screen in an ostensibly healthy population. It had not been previously curated by ICSL or reported in the Human Gene Mutation Database (HGMD: prior to June 1st, 2018), and was therefore a candidate for classification through an automated scoring system. Utilizing variant allele frequency, disease prevalence and penetrance estimates, and inheritance mode, an automated score was calculated to assess if this variant is too frequent to cause the disease. Based on the score and internal cut-off values, a variant classified as benign is not then subjected to further curation. The score for this variant resulted in a classification of benign for this disease.

Illumina Laboratory Services, Illumina
Classification: Benign for Neuroblastoma, susceptibility to, 2. Last evaluated: 2018-03-06. Review status: criteria provided, single submitter. Criteria: ICSL Variant Classification Criteria 13 December 2019. Collection method: clinical testing. Allele origin: germline.
Comment: the same text as in the submission from Illumina Laboratory Services, Illumina above.

Eurofins Ntd Llc (ga)
Classification: Benign. Last evaluated: 2016-11-14. Review status: criteria provided, single submitter. Criteria: EGL Classification Definitions 2015. Collection method: clinical testing. Allele origin: germline. Observed: 2 variant alleles, 2 heterozygotes.

Women's Health and Genetics/Laboratory Corporation of America, LabCorp
Classification: Benign. Last evaluated: 2016-08-31. Review status: criteria provided, single submitter. Criteria: LabCorp Variant Classification Summary - May 2015. Collection method: clinical testing. Allele origin: germline.
Comment: Variant summary: The c.762A>C (p.Ala254=) in PHOX2B gene is a synonymous change that involves a non-conserved nucleotide. 5/5 programs in Alamut predict that this variant does not affect normal splicing, however no functional studies supporting this notion were published at the time of evaluation. The variant is present in the control population dataset of ExAC and 1000Gs at frequency of 0.026(300/11564 chrs tested), including numerous homozygous occurrences. This frequency exceeds the maximal expected frequency of a pathogenic allele (0.0000008) in this gene. The variant of interest was cited as Benign/Polymorphism by reputable database/clinical laboratories/published reports. It is widely accepted as a polymorphism in the field. Taking together, the variant was classified as Benign.

GeneDx
Classification: Benign. Last evaluated: 2016-05-20. Review status: criteria provided, single submitter. Criteria: GeneDx Variant Classification (06012015). Collection method: clinical testing. Allele origin: germline. Affected: yes.
Comment: This variant is considered likely benign or benign based on one or more of the following criteria: it is a conservative change, it occurs at a poorly conserved position in the protein, it is predicted to be benign by multiple in silico algorithms, and/or has population frequency not consistent with disease.

Laboratory for Molecular Medicine, Mass General Brigham Personalized Medicine
Classification: Benign. Last evaluated: 2015-10-12. Review status: criteria provided, single submitter. Criteria: LMM Criteria. Collection method: clinical testing. Allele origin: germline. Observed: 8 variant alleles.
Comment: p.Ala254Ala in exon 3 of PHOX2B: This variant is not expected to have clinical s ignificance because it does not alter an amino acid residue and is not located w ithin the splice consensus sequence. It has been identified in 0.4% (12/2634), i ncluding 1 homozygote, of East Asian chromosomes by the Exome Aggregation Consor tium (ExAC; dbSNP rs17884724).

Breakthrough Genomics
Classification: Benign. Review status: criteria provided, single submitter. Criteria: ACMG Guidelines, 2015. Collection method: not provided. Allele origin: germline. Inheritance: Autosomal dominant inheritance. Affected: yes.

PreventionGenetics, part of Exact Sciences
Classification: Benign. Review status: criteria provided, single submitter. Criteria: ACMG Guidelines, 2015. Collection method: clinical testing. Allele origin: germline.

Literature cited by the submitters: PubMed 18079495 (cited by Women's Health and Genetics/Laboratory Corporation of America, LabCorp); PubMed 16830328 (cited by Women's Health and Genetics/Laboratory Corporation of America, LabCorp).